The following is an entry in ClinVar:

ClinVar aggregate classification (germline): Uncertain significance. Review status: criteria provided, multiple submitters, no conflicts (2 of 4 stars). 3 submissions from 3 submitters: Uncertain significance (3). Last evaluated 2026-08-12.

Conditions:
Migraine, familial hemiplegic, 2. Identifiers: Orphanet 569, MedGen C1865322, MONDO:0011232, OMIM 602481.
Hemiplegic migraine-developmental and epileptic encephalopathy spectrum. Identifiers: MedGen CN377181, MONDO:0100539.

Submissions (3):

Broad Center for Mendelian Genomics, Broad Institute of MIT and Harvard
Classification: Uncertain significance for Hemiplegic migraine-developmental and epileptic encephalopathy spectrum. Last evaluated: 2026-08-12. Review status: criteria provided, single submitter. Criteria: ACMG Guidelines, 2015. Collection method: research. Allele origin: germline. Inheritance: Autosomal dominant inheritance. Study: GREGoR Consortium.
Comment: The heterozygous p.Ile268Arg variant in ATP1A2 was identified by our study in 3 family members with hemiplegic migraine-developmental and epileptic encephalopathy spectrum. The p.Ile268Arg variant in ATP1A2 has not been previously reported in the literature in individuals with hemiplegic migraine-developmental and epileptic encephalopathy spectrum and was absent from large population studies. This variant has also been reported in ClinVar (Variation ID: 3238782) and has been interpreted as a variant of uncertain significance by Baylor Genetics and Undiagnosed Diseases Network. Computational prediction tools and conservation analyses suggest that this variant may impact the protein, though this information is not predictive enough to determine pathogenicity. The number of missense variants reported in ATP1A2 in the general population is lower than expected, suggesting there is little benign variation in this gene and slightly increasing the possibility that a missense variant in this gene may not be tolerated. In summary, the clinical significance of the p.Ile268Arg variant is uncertain. ACMG/AMP Criteria applied: PP3_moderate, PP2, PM2_supporting (Richards 2015).

Baylor Genetics
Classification: Uncertain significance for Migraine, familial hemiplegic, 2. Last evaluated: 2024-03-06. Review status: criteria provided, single submitter. Criteria: ACMG Guidelines, 2015. Collection method: clinical testing. Allele origin: unknown.

Undiagnosed Diseases Network, NIH
Classification: Uncertain significance for Migraine, familial hemiplegic, 2. Last evaluated: 2024-03-06. Review status: criteria provided, single submitter. Criteria: ACMG Guidelines, 2015. Collection method: clinical testing. Allele origin: paternal. Affected: yes. Observed: 1 heterozygote. Study: Undiagnosed Diseases Network (NIH), UDN.
Comment: This variant has not been described in ClinVar, has not been observed in gnomAD, and has an inconclusive theoretical prediction score (CADD: 29.900). The evolutionary conservation of this residue is high.

NM_000702.4(ATP1A2):c.803T>G (p.Ile268Arg)

Gene: ATP1A2 (ATPase Na+/K+ transporting subunit alpha 2; plus strand). Cytogenetic location: 1q23.2.
Variant type: single nucleotide variant.
Coding change: c.803T>G on transcript NM_000702.4 (MANE Select); coding-DNA position 803, T replaced by G.
Protein change: p.Ile268Arg; replaces isoleucine 268 with arginine.
Molecular consequence: missense variant.
Genome position (GRCh38, 1-based): chr1:160,127,606, T>G. VCF-style: chr1-160127606-T-G. GRCh37 (hg19) VCF-style: chr1-160097396-T-G.
Other names: p.Ile268Arg; short protein forms I268R.
Identifiers: ClinVar variation 3238782 (VCV003238782.5), dbSNP rs2524865177.